The following is an entry in ClinVar:

NM_005911.6(MAT2A):c.951+16A>G

Genes: GGCX (gamma-glutamyl carboxylase; minus strand), MAT2A (methionine adenosyltransferase 2A; plus strand). Cytogenetic location: 2p11.2.
Variant type: single nucleotide variant.
Coding change: c.951+16A>G on transcript NM_005911.6 (MANE Select); 16 bases into the intron after coding-DNA position 951, A replaced by G.
Molecular consequence: intron variant.
Genome position (GRCh38, 1-based): chr2:85,542,763, A>G. VCF-style: chr2-85542763-A-G. GRCh37 (hg19) VCF-style: chr2-85769886-A-G.
Identifiers: ClinVar variation 668230 (VCV000668230.2), dbSNP rs1173188878, ClinGen allele CA534627769.
Genomic context (GRCh38, chr2:85,542,763, plus strand): 5'-AAATCCCTTGTTAAAGGAGGTCTGTGCCGGAGGGTTCTTGTTCAGGTATACACTCTTTAT[A>G]TAACGAACGATTAAAAGTCATGTAAGTGGGAGGGTATTTAGTAGTAATCTACTTAACTAC-3'

ClinVar aggregate classification (germline): Likely benign. Review status: criteria provided, multiple submitters, no conflicts (2 of 4 stars). 2 submissions from 2 submitters: Likely benign (2). Last evaluated 2026-01-27.

Conditions:
Familial thoracic aortic aneurysm and aortic dissection (TAAD). Also called: Thoracic aortic aneurysms and dissections. Identifiers: Orphanet 91387, MedGen C4707243, MONDO:0019625.

Allele frequency attached by ClinVar (database versions not stated): gnomAD exomes below 0.00001 and 0.00001.
gnomAD v4.1: 8 of 1,589,870 alleles (0.0005%); highest among the groups gnomAD compares: Non-Finnish European, 0.00069%; no homozygotes.

Submissions (2):

Labcorp Genetics (formerly Invitae), Labcorp
Classification: Likely benign for Familial thoracic aortic aneurysm and aortic dissection. Last evaluated: 2026-01-27. Review status: criteria provided, single submitter. Criteria: Invitae Variant Classification Sherloc (09022015). Collection method: clinical testing. Allele origin: germline.

GeneDx
Classification: Likely benign. Last evaluated: 2018-05-08. Review status: criteria provided, single submitter. Criteria: GeneDx Variant Classification (06012015). Collection method: clinical testing. Allele origin: germline. Affected: yes.
Comment: This variant is considered likely benign or benign based on one or more of the following criteria: it is a conservative change, it occurs at a poorly conserved position in the protein, it is predicted to be benign by multiple in silico algorithms, and/or has population frequency not consistent with disease.